The following is an entry in ClinVar:

NM_000287.4(PEX6):c.1680C>G (p.Pro560=)

Gene: PEX6 (peroxisomal biogenesis factor 6; minus strand). Cytogenetic location: 6p21.1.
Variant type: single nucleotide variant.
Coding change: c.1680C>G on transcript NM_000287.4 (MANE Select); coding-DNA position 1680, C replaced by G.
Protein change: p.Pro560=; no amino-acid change (proline 560 retained).
Molecular consequence: synonymous variant. On other transcripts: non-coding transcript variant (1).
Genome position (GRCh38, 1-based): chr6:42,968,298, G>C on the plus strand (C>G on the coding strand, the complement: PEX6 is on the minus strand). VCF-style: chr6-42968298-G-C. GRCh37 (hg19) VCF-style: chr6-42936036-G-C.
Other names: c.1416C>G, p.Pro472= (NM_001316313.2).
Identifiers: ClinVar variation 1683500 (VCV001683500.2), dbSNP rs372998833, ClinGen allele CA450253755.

ClinVar aggregate classification (germline): Uncertain significance (1 of 4 stars; one submission).

Conditions:
Megalencephaly. Also called: Macroencephaly; Megalencephaly (disease). Identifiers: MedGen C0221355, MONDO:0016608, HP:0001355.
Leukodystrophy. Identifiers: Orphanet 68356, MedGen C0023520, MONDO:0019046, HP:0002415.
Hypotonia. Also called: Muscular hypotonia; poor muscle tone. Identifiers: MedGen C0026827, HP:0001252.
CNS demyelination. Identifiers: MedGen C0338474, HP:0007305.
Global developmental delay (DD). Also called: Cognitive delay. Identifiers: MedGen C0557874, HP:0001263. Disease mechanism: loss of function.

Submission:

Laboratorio de Genetica e Diagnostico Molecular, Hospital Israelita Albert Einstein
Classification: Uncertain significance for CNS demyelination; Leukodystrophy; Global developmental delay; Hypotonia; Megalencephaly. Last evaluated: 2021-02-16. Review status: criteria provided, single submitter. Criteria: ACMG Guidelines, 2015. Collection method: clinical testing. Allele origin: germline. Affected: yes.
Comment: ACMG classification criteria: PM2